The following is an entry in ClinVar:

NM_000051.4(ATM):c.1827G>T (p.Glu609Asp)

Gene: ATM (ATM serine/threonine kinase; plus strand). Cytogenetic location: 11q22.3.
Variant type: single nucleotide variant.
Coding change: c.1827G>T on transcript NM_000051.4 (MANE Select); coding-DNA position 1827, G replaced by T.
Protein change: p.Glu609Asp; replaces glutamic acid 609 with aspartic acid.
Molecular consequence: missense variant.
Genome position (GRCh38, 1-based): chr11:108,252,841, G>T. VCF-style: chr11-108252841-G-T. GRCh37 (hg19) VCF-style: chr11-108123568-G-T.
Other names: c.1827G>T, p.Glu609Asp (NM_001351834.2); short protein forms E609D.
Identifiers: ClinVar variation 853540 (VCV000853540.9), dbSNP rs1555072460, ClinGen allele CA382535776.

ClinVar aggregate classification (germline): Uncertain significance (1 of 4 stars; one submission).

Conditions:
Ataxia-telangiectasia syndrome (AT). Also called: Ataxia-telangiectasia, complementation group E; Cerebello-oculocutaneous telangiectasia; Immunodeficiency with ataxia telangiectasia; Ataxia-telangiectasia, complementation group D; AT, COMPLEMENTATION GROUP C; Ataxia-telangiectasia. Identifiers: Orphanet 100, MedGen C0004135, MONDO:0008840, OMIM 208900.

Submission:

Labcorp Genetics (formerly Invitae), Labcorp
Classification: Uncertain significance for Ataxia-telangiectasia syndrome. Last evaluated: 2019-11-27. Review status: criteria provided, single submitter. Criteria: Invitae Variant Classification Sherloc (09022015). Collection method: clinical testing. Allele origin: germline.
Comment: In summary, the available evidence is currently insufficient to determine the role of this variant in disease. Therefore, it has been classified as a Variant of Uncertain Significance. Algorithms developed to predict the effect of missense changes on protein structure and function (SIFT, PolyPhen-2, Align-GVGD) all suggest that this variant is likely to be tolerated, but these predictions have not been confirmed by published functional studies and their clinical significance is uncertain. This variant has not been reported in the literature in individuals with ATM-related conditions. This variant is not present in population databases (ExAC no frequency). This sequence change replaces glutamic acid with aspartic acid at codon 609 of the ATM protein (p.Glu609Asp). The glutamic acid residue is weakly conserved and there is a small physicochemical difference between glutamic acid and aspartic acid.